The following is an entry in ClinVar:

NC_000004.11:g.(?_151504182)_(151656538_?)del

Genes: LRBA (LPS responsive beige-like anchor protein; minus strand), MAB21L2 (mab-21 like 2; plus strand). Cytogenetic location: 4q31.3.
Variant type: Deletion.
Identifiers: ClinVar variation 1458653 (VCV001458653.5).

ClinVar aggregate classification (germline): Pathogenic (1 of 4 stars; one submission).

Conditions:
Combined immunodeficiency due to LRBA deficiency. Also called: Common variable immunodeficiency 8, with autoimmunity. Identifiers: Orphanet 445018, MedGen C3553512, MONDO:0013863, OMIM 614700.

Submission:

Labcorp Genetics (formerly Invitae), Labcorp
Classification: Pathogenic for Combined immunodeficiency due to LRBA deficiency. Last evaluated: 2021-08-13. Review status: criteria provided, single submitter. Criteria: Invitae Variant Classification Sherloc (09022015). Collection method: clinical testing. Allele origin: germline.
Comment: This variant is a gross deletion of the genomic region encompassing exon(s) 36-41 of the LRBA gene. This deletion is out-of-frame, and is expected to create a premature termination codon and result in an absent or disrupted protein product. Loss-of-function variants in LRBA are known to be pathogenic (PMID: 26206937, 26768763). This variant has not been reported in the literature in individuals affected with LRBA-related conditions. For these reasons, this variant has been classified as Pathogenic.

Literature cited by the submitters: PubMed 26206937; PubMed 26768763.